The following is an entry in ClinVar:

ClinVar aggregate classification (germline): Likely benign. Review status: criteria provided, multiple submitters, no conflicts (2 of 4 stars). 3 submissions from 3 submitters: Likely benign (2). 1 of the submissions does not count toward it. Last evaluated 2026-02-01.

Conditions:
CACNA1C-related disorder. Also called: CACNA1C-related condition; CACNA1C-related disorders. Identifiers: MedGen CN381092, MONDO:0700321.
Cardiovascular phenotype. Identifiers: MedGen CN230736.
Long QT syndrome (LQTS). Identifiers: MedGen C0023976, MeSH D008133, MONDO:0002442. Disease mechanism: loss of function. Inheritance: Various modes of inheritance.

Allele frequency attached by ClinVar (database versions not stated): gnomAD exomes 0.00001; TOPMed 0.00003; ExAC 0.00002; gnomAD 0.00001.
gnomAD v4.1: 11 of 1,612,878 alleles (0.00068%); highest among the groups gnomAD compares: South Asian, 0.0055%; no homozygotes.

Submissions (3):

Labcorp Genetics (formerly Invitae), Labcorp
Classification: Likely benign for Long QT syndrome. Last evaluated: 2026-02-01. Review status: criteria provided, single submitter. Criteria: Invitae Variant Classification Sherloc (09022015). Collection method: clinical testing. Allele origin: germline.

Ambry Genetics
Classification: Likely benign for Cardiovascular phenotype. Last evaluated: 2021-03-25. Review status: criteria provided, single submitter. Criteria: Ambry Variant Classification Scheme 2023. Collection method: clinical testing. Allele origin: germline.

PreventionGenetics, part of Exact Sciences
Classification: Likely benign for CACNA1C-related condition. Last evaluated: 2023-06-07. Review status: no assertion criteria provided. Collection method: clinical testing. Allele origin: germline. Not counted in ClinVar's aggregate classification.
Comment: This variant is classified as likely benign based on ACMG/AMP sequence variant interpretation guidelines (Richards et al. 2015 PMID: 25741868, with internal and published modifications).

NM_000719.7(CACNA1C):c.6021C>T (p.Ala2007=)

Genes: CACNA1C (calcium voltage-gated channel subunit alpha1 C; plus strand), CACNA1C-AS1 (CACNA1C antisense RNA 1; minus strand). Cytogenetic location: 12p13.33.
Variant type: single nucleotide variant.
Coding change: c.6021C>T on transcript NM_000719.7 (MANE Select); coding-DNA position 6021, C replaced by T.
Protein change: p.Ala2007=; no amino-acid change (alanine 2007 retained).
Molecular consequence: synonymous variant.
Genome position (GRCh38, 1-based): chr12:2,688,683, C>T. VCF-style: chr12-2688683-C-T. GRCh37 (hg19) VCF-style: chr12-2797849-C-T.
Other names: c.6165C>T, p.Ala2055= (NM_001129827.2); c.6144C>T, p.Ala2048= (NM_001129829.2); c.6126C>T, p.Ala2042= (NM_001129830.3, NM_001167624.3); c.6105C>T, p.Ala2035= (NM_001129831.2); c.6081C>T, p.Ala2027= (NM_001129832.2); c.6078C>T, p.Ala2026= (NM_001129833.2, NM_001129834.2, NM_001129835.2); c.6072C>T, p.Ala2024= (NM_001129836.2); c.6045C>T, p.Ala2015= (NM_001129837.2, NM_001129838.2); and 6 more.
Identifiers: ClinVar variation 701720 (VCV000701720.15), dbSNP rs762515457, ClinGen allele CA6390053.
Genomic context (GRCh38, chr12:2,688,683, plus strand): 5'-CCCATCCATCCACTGCGGCTCCTGGGCTGAGACCACCCCCGGTGGCGGGGGCAGCAGCGC[C>T]GCCCGGAGAGTCCGGCCCGTCTCCCTCATGGTGCCCAGCCAGGCTGGGGCCCCAGGGAGG-3'
Protein context (NP_000710.5, residues 1997-2017): ETTPGGGGSS[Ala2007=]ARRVRPVSLM